The following is an entry in ClinVar:

NM_004608.4(TBX6):c.1243G>C (p.Gly415Arg)

Gene: TBX6 (T-box transcription factor 6; minus strand). Cytogenetic location: 16p11.2.
Variant type: single nucleotide variant.
Coding change: c.1243G>C on transcript NM_004608.4 (MANE Select); coding-DNA position 1243, G replaced by C.
Protein change: p.Gly415Arg; replaces glycine 415 with arginine.
Molecular consequence: missense variant.
Genome position (GRCh38, 1-based): chr16:30,086,293, C>G on the plus strand (G>C on the coding strand, the complement: TBX6 is on the minus strand). VCF-style: chr16-30086293-C-G. GRCh37 (hg19) VCF-style: chr16-30097614-C-G.
Other names: short protein forms G415R.
Identifiers: ClinVar variation 2492576 (VCV002492576.26), dbSNP rs1177425852, ClinGen allele CA395512320.

ClinVar aggregate classification (germline): Uncertain significance. Review status: criteria provided, multiple submitters, no conflicts (2 of 4 stars). 2 submissions from 2 submitters: Uncertain significance (2). Last evaluated 2023-03-01.

Conditions:
Inborn genetic diseases. Identifiers: MedGen C0950123, MeSH D030342.

gnomAD v4.1: 2 of 1,611,684 alleles (0.00012%); highest among the groups gnomAD compares: Non-Finnish European, 0.000085%; no homozygotes.

Submissions (2):

Ambry Genetics
Classification: Uncertain significance for Inborn genetic diseases. Last evaluated: 2023-03-01. Review status: criteria provided, single submitter. Criteria: Ambry Variant Classification Scheme 2023. Collection method: clinical testing. Allele origin: germline.

CeGaT Center for Human Genetics Tuebingen
Classification: Uncertain significance. Last evaluated: 2022-12-01. Review status: criteria provided, single submitter. Criteria: CeGaT Center For Human Genetics Tuebingen Variant Classification Criteria Version 2. Collection method: clinical testing. Allele origin: germline. Affected: yes. Observed: 1 variant allele.
Comment: TBX6: PM2